The following is an entry in ClinVar:

NM_001370466.1(NOD2):c.2495G>A (p.Cys832Tyr)

Gene: NOD2 (nucleotide binding oligomerization domain containing 2; plus strand). Cytogenetic location: 16q12.1.
Variant type: single nucleotide variant.
Coding change: c.2495G>A on transcript NM_001370466.1 (MANE Select); coding-DNA position 2495, G replaced by A.
Protein change: p.Cys832Tyr; replaces cysteine 832 with tyrosine.
Molecular consequence: missense variant. On other transcripts: non-coding transcript variant (1).
Genome position (GRCh38, 1-based): chr16:50,716,920, G>A. VCF-style: chr16-50716920-G-A. GRCh37 (hg19) VCF-style: chr16-50750831-G-A.
Other names: c.2495G>A, p.Cys832Tyr (NM_001293557.2); c.2576G>A, p.Cys859Tyr (NM_022162.3); short protein forms C859Y, C832Y.
Identifiers: ClinVar variation 2923466 (VCV002923466.3), dbSNP rs766980553, ClinGen allele CA8051847.
Genomic context (GRCh38, chr16:50,716,920, plus strand): 5'-TCTGTGTCTCCTCTCTTCTGGAACTGAACAGTCTATTCAACAACAAATTGACTGACGGCT[G>A]TGCACACTCCATGGCTAAGCTCCTTGCATGCAGGCAGAACTTCTTGGCATTGAGGTGAGC-3'
Protein context (NP_001357395.1, residues 822-842): ALFNNKLTDG[Cys832Tyr]AHSMAKLLAC

ClinVar aggregate classification (germline): Uncertain significance (1 of 4 stars; one submission).

Conditions:
Regional enteritis. Also called: Enteritis, Granulomatous. Identifiers: MedGen C0678202, MeSH D003424.
Blau syndrome (BLAUS). Also called: ARTHROCUTANEOUVEAL GRANULOMATOSIS; GRANULOMATOSIS, FAMILIAL JUVENILE SYSTEMIC; GRANULOMATOSIS, FAMILIAL, BLAU TYPE; GRANULOMATOUS INFLAMMATORY ARTHRITIS, DERMATITIS, AND UVEITIS, FAMILIAL; JABS SYNDROME. Identifiers: Orphanet 90340, MedGen C5201146, MONDO:0008523, OMIM 186580.

Allele frequency attached by ClinVar (database versions not stated): ExAC 0.00001; gnomAD exomes 0.00001.
gnomAD v4.1: 3 of 1,614,258 alleles (0.00019%); highest among the groups gnomAD compares: South Asian, 0.0033%; no homozygotes.

Submission:

Labcorp Genetics (formerly Invitae), Labcorp
Classification: Uncertain significance for Regional enteritis; Blau syndrome. Last evaluated: 2024-01-06. Review status: criteria provided, single submitter. Criteria: Invitae Variant Classification Sherloc (09022015). Collection method: clinical testing. Allele origin: germline.
Comment: This sequence change replaces cysteine, which is neutral and slightly polar, with tyrosine, which is neutral and polar, at codon 859 of the NOD2 protein (p.Cys859Tyr). This variant is not present in population databases (gnomAD no frequency). This variant has not been reported in the literature in individuals affected with NOD2-related conditions. Advanced modeling of protein sequence and biophysical properties (such as structural, functional, and spatial information, amino acid conservation, physicochemical variation, residue mobility, and thermodynamic stability) performed at Invitae indicates that this missense variant is not expected to disrupt NOD2 protein function with a negative predictive value of 95%. In summary, the available evidence is currently insufficient to determine the role of this variant in disease. Therefore, it has been classified as a Variant of Uncertain Significance.